The following is an entry in ClinVar:

ClinVar aggregate classification (germline): Benign (1 of 4 stars; one submission).

Conditions:
Leigh syndrome (NULS). Also called: Leigh's necrotizing encephalopathy; Leigh's disease; Leigh Syndrome (mtDNA deletion); Leigh Disease; Subacute necrotizing encephalopathy; Necrotizing encephalopathy infantile subacute of Leigh. Identifiers: Orphanet 506, MedGen C2931891, MONDO:0009723, OMIM 256000.

Submission:

Wong Mito Lab, Molecular and Human Genetics, Baylor College of Medicine
Classification: Benign for Leigh syndrome. Last evaluated: 2019-10-17. Review status: criteria provided, single submitter. Criteria: Modified ACMG Guidelines (Unpublished). Collection method: clinical testing. Allele origin: germline.
Comment: The NC_012920.1:m.9145G>A (YP_003024031.1:p.Ala207Thr) variant in MTATP6 gene is interpretated to be a Benign variant based on the modified ACMG guidelines (unpublished). This variant meets the following evidence codes: BS1, BS2

NC_012920.1(MT-ATP6):m.9145G>A

Gene: MT-ATP6 (mitochondrially encoded ATP synthase 6; plus strand).
Variant type: single nucleotide variant.
Genome position: chrM-9145-G-A.
Identifiers: ClinVar variation 693110 (VCV000693110.2), dbSNP rs1556423622, ClinGen allele CA414802296.